The following is an entry in ClinVar:

NM_000169.3(GLA):c.961C>T (p.Gln321Ter)

Genes: GLA (galactosidase alpha; minus strand), RPL36A-HNRNPH2 (RPL36A-HNRNPH2 readthrough; plus strand). Cytogenetic location: Xq22.1.
Variant type: single nucleotide variant.
Coding change: c.961C>T on transcript NM_000169.3 (MANE Select); coding-DNA position 961, C replaced by T.
Protein change: p.Gln321Ter; replaces glutamine 321 with a stop codon.
Molecular consequence: nonsense. On other transcripts: non-coding transcript variant (3), intron variant (2).
Genome position (GRCh38, 1-based): chrX:101,398,408, G>A on the plus strand (C>T on the coding strand, the complement: GLA is on the minus strand). VCF-style: chrX-101398408-G-A. GRCh37 (hg19) VCF-style: chrX-100653396-G-A.
Other names: c.1084C>T, p.Gln362Ter (NM_001406747.1); c.961C>T, p.Gln321Ter (NM_001406748.1); c.300+2951G>A (NM_001199973.2); c.177+6586G>A (NM_001199974.2); short protein forms Q321*, Q362*.
Identifiers: ClinVar variation 4087186 (VCV004087186.2).

ClinVar aggregate classification (germline): Pathogenic (1 of 4 stars; one submission).

Conditions:
Fabry disease. Also called: ALPHA-GALACTOSIDASE A DEFICIENCY; ANDERSON-FABRY DISEASE; CERAMIDE TRIHEXOSIDASE DEFICIENCY; GLA DEFICIENCY; HEREDITARY DYSTOPIC LIPIDOSIS; Angiokeratoma corporis diffusum. Identifiers: Orphanet 324, MedGen C0002986, MONDO:0010526, OMIM 301500, HP:0001071. Disease mechanism: Fabry disease is due to inactivating mutations in the X-linked GLA gene resulting in deficiency of the enzyme Alpha Galactosidase-A., loss of function.

Submission:

Genomenon, Inc
Classification: Pathogenic for Fabry disease. Last evaluated: 2026-09-08. Review status: criteria provided, single submitter. Criteria: Genomenon Sequence Variant Interpretation Standards - Updated. Collection method: curation. Allele origin: germline. Affected: yes.
Comment: GLA p.Gln321Ter (c.961C>T) is a nonsense variant that introduces a premature stop codon at amino acid position 321 and is predicted to result in a truncated or absent protein product. This variant has been observed in at least one proband with clinical features consistent with Fabry disease (PMID:37940383;26340726;39766319;29853467;16720462). Functional or patient cell studies have been reported (PMID:31613176;19346951). It is absent or not present at a significant frequency in gnomAD. In conclusion, we classify GLA p.Gln321Ter (c.961C>T) as a pathogenic variant.

Literature cited by the submitters: PubMed 37940383; PubMed 26340726; PubMed 39766319; PubMed 29853467; PubMed 16720462; PubMed 31613176; PubMed 19346951.